The following is an entry in ClinVar:

NM_016239.4(MYO15A):c.6711G>A (p.Pro2237=)

Gene: MYO15A (myosin XVA; plus strand). Cytogenetic location: 17p11.2.
Variant type: single nucleotide variant.
Coding change: c.6711G>A on transcript NM_016239.4 (MANE Select); coding-DNA position 6711, G replaced by A.
Protein change: p.Pro2237=; no amino-acid change (proline 2237 retained).
Molecular consequence: synonymous variant.
Genome position (GRCh38, 1-based): chr17:18,148,515, G>A. VCF-style: chr17-18148515-G-A. GRCh37 (hg19) VCF-style: chr17-18051829-G-A.
Other names: c.6711G>A (NM_016239.3).
Identifiers: ClinVar variation 2900721 (VCV002900721.5), dbSNP rs1052767163, ClinGen allele CA288409031.

ClinVar aggregate classification (germline): Likely benign. Review status: criteria provided, single submitter (1 of 4 stars). 2 submissions from 2 submitters: Likely benign (1). 1 of the submissions does not count toward it. Last evaluated 2026-02-03.

Conditions:
MYO15A-related disorder. Also called: MYO15A-related condition.

Allele frequency attached by ClinVar (database versions not stated): gnomAD 0.00003; TOPMed 0.00005.
gnomAD v4.1: 32 of 1,552,562 alleles (0.0021%); highest among the groups gnomAD compares: Middle Eastern, 0.033%; no homozygotes.

Submissions (2):

Labcorp Genetics (formerly Invitae), Labcorp
Classification: Likely benign. Last evaluated: 2026-02-03. Review status: criteria provided, single submitter. Criteria: Invitae Variant Classification Sherloc (09022015). Collection method: clinical testing. Allele origin: germline.

PreventionGenetics, part of Exact Sciences
Classification: Likely benign for MYO15A-related condition. Last evaluated: 2023-08-24. Review status: no assertion criteria provided. Collection method: clinical testing. Allele origin: germline. Not counted in ClinVar's aggregate classification.
Comment: This variant is classified as likely benign based on ACMG/AMP sequence variant interpretation guidelines (Richards et al. 2015 PMID: 25741868, with internal and published modifications).